The following is an entry in ClinVar:

NM_000081.4(LYST):c.8488C>A (p.Pro2830Thr)

Gene: LYST (lysosomal trafficking regulator; minus strand). Cytogenetic location: 1q42.3.
Variant type: single nucleotide variant.
Coding change: c.8488C>A on transcript NM_000081.4 (MANE Select); coding-DNA position 8488, C replaced by A.
Protein change: p.Pro2830Thr; replaces proline 2830 with threonine.
Molecular consequence: missense variant.
Genome position (GRCh38, 1-based): chr1:235,734,530, G>T on the plus strand (C>A on the coding strand, the complement: LYST is on the minus strand). VCF-style: chr1-235734530-G-T. GRCh37 (hg19) VCF-style: chr1-235897830-G-T.
Other names: c.8488C>A, p.Pro2830Thr (NM_001301365.1); short protein forms P2830T.
Identifiers: ClinVar variation 2046555 (VCV002046555.1), dbSNP rs1310309929, ClinGen allele CA344920896.

ClinVar aggregate classification (germline): Uncertain significance (1 of 4 stars; one submission).

Conditions:
Chédiak-Higashi syndrome (CHS). Also called: Chediak-Higashi Syndrome. Identifiers: Orphanet 167, MedGen C0007965, MONDO:0008963, OMIM 214500.

Allele frequency attached by ClinVar (database versions not stated): gnomAD exomes below 0.00001.
gnomAD v4.1: 1 of 1,613,604 alleles (0.000062%); highest among the groups gnomAD compares: Non-Finnish European, 0.000085%; no homozygotes.

Submission:

Labcorp Genetics (formerly Invitae), Labcorp
Classification: Uncertain significance for Chédiak-Higashi syndrome. Last evaluated: 2022-01-26. Review status: criteria provided, single submitter. Criteria: Invitae Variant Classification Sherloc (09022015). Collection method: clinical testing. Allele origin: germline.
Comment: This sequence change replaces proline, which is neutral and non-polar, with threonine, which is neutral and polar, at codon 2830 of the LYST protein (p.Pro2830Thr). The frequency data for this variant in the population databases is considered unreliable, as metrics indicate poor data quality at this position in the gnomAD database. This variant has not been reported in the literature in individuals affected with LYST-related conditions. Algorithms developed to predict the effect of missense changes on protein structure and function are either unavailable or do not agree on the potential impact of this missense change (SIFT: "Deleterious"; PolyPhen-2: "Possibly Damaging"; Align-GVGD: "Class C0"). In summary, the available evidence is currently insufficient to determine the role of this variant in disease. Therefore, it has been classified as a Variant of Uncertain Significance.